The following is an entry in ClinVar:

NM_015176.4(FBXO28):c.703T>C (p.Ser235Pro)

Gene: FBXO28 (F-box protein 28; plus strand). Cytogenetic location: 1q42.11.
Variant type: single nucleotide variant.
Coding change: c.703T>C on transcript NM_015176.4 (MANE Select); coding-DNA position 703, T replaced by C.
Protein change: p.Ser235Pro; replaces serine 235 with proline.
Molecular consequence: missense variant. On other transcripts: non-coding transcript variant (1), intron variant (1).
Genome position (GRCh38, 1-based): chr1:224,153,328, T>C. VCF-style: chr1-224153328-T-C. GRCh37 (hg19) VCF-style: chr1-224341030-T-C.
Other names: c.517-4024T>C (NM_001136115.3); short protein forms S235P.
Identifiers: ClinVar variation 1679625 (VCV001679625.1), dbSNP rs2102635097, ClinGen allele CA344704971.

ClinVar aggregate classification (germline): Uncertain significance (1 of 4 stars; one submission).

Conditions:
FBXO28-associated epileptic encephalopathy.

Submission:

New York Genome Center
Classification: Uncertain significance for FBXO28-associated epileptic encephalopathy. Last evaluated: 2021-04-23. Review status: criteria provided, single submitter. Criteria: NYGC Assertion Criteria 2020. Collection method: clinical testing. Allele origin: germline. Observed: 1 heterozygote. Study: CSER-NYCKidSeq.
Comment: The heterozygous c.703T>C (p.Ser235Pro) variant identified in the FBXO28 gene substitutes a moderately conserved Serine for Proline at amino acid 235/369 (exon 4/5). This variant is absent from gnomAD(v3.1.1) suggesting it is not a common benign variant in the populations represented in that database. In silico algorithms predict this variant to be Damaging (SIFT; score:0.015) and Benign (REVEL; score: 0.118) to the function of the canonical transcript. This variant is absent from ClinVar and to our current knowledge has not been reported in affected individuals in the literature. The p.Ser235 residue is not within a mapped domain of FBXO28, however it is one of three phosphoserine residues in the protein (UniProtKB: Q9NVF7). Given the lack of compelling evidence for its pathogenicity, the heterozygous c.703T>C (p.Ser235Pro) variant identified in the FBXO28 gene is reported as a Variant of Uncertain Significance.